The following is an entry in ClinVar:

ClinVar aggregate classification (germline): Conflicting classifications of pathogenicity. Review status: criteria provided, conflicting classifications (1 of 4 stars). 3 submissions from 3 submitters: Uncertain significance (2); Likely benign (1). Last evaluated 2024-11-23.

Conditions:
Citrullinemia. Identifiers: Orphanet 187, MedGen C0175683, MONDO:0015991.
Citrullinemia type I (CTNL1). Also called: ASS DEFICIENCY; argininosuccinate synthetase deficiency. Identifiers: Orphanet 247525, MedGen C4721769, MONDO:0008988, OMIM 215700.

Allele frequency attached by ClinVar (database versions not stated): gnomAD 0.00004 and 0.00018; TOPMed 0.00005; gnomAD exomes 0.00006 and 0.00040; ExAC 0.00010; 1000 Genomes Project 30x 0.00078; 1000 Genomes Project 0.00100.
gnomAD v4.1: 595 of 1,614,004 alleles (0.037%); highest among the groups gnomAD compares: East Asian, 1.3%; 7 homozygotes.

Submissions (4):

Labcorp Genetics (formerly Invitae), Labcorp
Classification: Likely benign for Citrullinemia. Last evaluated: 2024-11-23. Review status: criteria provided, single submitter. Criteria: Invitae Variant Classification Sherloc (09022015). Collection method: clinical testing. Allele origin: germline.

Fulgent Genetics
Classification: Uncertain significance for Citrullinemia type I. Last evaluated: 2024-02-02. Review status: criteria provided, single submitter. Criteria: ACMG Guidelines, 2015. Collection method: clinical testing. Allele origin: germline.

Illumina Laboratory Services, Illumina
Classification: Uncertain significance for Citrullinemia type I. Last evaluated: 2017-04-27. Review status: criteria provided, single submitter. Criteria: ICSL Variant Classification Criteria 13 December 2019. Collection method: clinical testing. Allele origin: germline.
Comment: This variant was observed as part of a predisposition screen in an ostensibly healthy population. A literature search was performed for the gene, cDNA change, and amino acid change (where applicable). Publications were found based on this search. However, the evidence from the literature, in combination with allele frequency data from public databases where available, was not sufficient to rule this variant in or out of causing disease. Therefore, this variant is classified as a variant of unknown significance.

Dr. Peter K. Rogan Lab, Western University
No classification provided (evidence only). Condition: Gastric cancer. Review status: no classification provided. Collection method: in vitro. Allele origin: not applicable. Functional consequence: retained intron. Not counted in ClinVar's aggregate classification.

Literature cited by the submitters: PubMed 18666241 (cited by Illumina Laboratory Services, Illumina).

NM_054012.4(ASS1):c.564C>T (p.Ile188=)

Gene: ASS1 (argininosuccinate synthase 1; plus strand). Cytogenetic location: 9q34.11.
Variant type: single nucleotide variant.
Coding change: c.564C>T on transcript NM_054012.4 (MANE Select); coding-DNA position 564, C replaced by T.
Protein change: p.Ile188=; no amino-acid change (isoleucine 188 retained).
Molecular consequence: synonymous variant.
Genome position (GRCh38, 1-based): chr9:130,470,902, C>T. VCF-style: chr9-130470902-C-T. GRCh37 (hg19) VCF-style: chr9-133346289-C-T.
Other names: c.564C>T, p.Ile188= (NM_000050.4).
Identifiers: ClinVar variation 914715 (VCV000914715.15), dbSNP rs2297599, ClinGen allele CA5283342.